The following is an entry in ClinVar:

ClinVar aggregate classification (germline): Uncertain significance (1 of 4 stars; one submission).

Conditions:
Long QT syndrome 10 (LQT10). Identifiers: Orphanet 101016, Orphanet 768, MedGen C2678484, MONDO:0012737, OMIM 611819.

gnomAD v4.1: 1 of 1,614,084 alleles (0.000062%); highest among the groups gnomAD compares: Non-Finnish European, 0.000085%; no homozygotes.

Submission:

Labcorp Genetics (formerly Invitae), Labcorp
Classification: Uncertain significance for Long QT syndrome 10. Last evaluated: 2022-01-03. Review status: criteria provided, single submitter. Criteria: Invitae Variant Classification Sherloc (09022015). Collection method: clinical testing. Allele origin: germline.
Comment: This variant is not present in population databases (gnomAD no frequency). This sequence change replaces arginine, which is basic and polar, with serine, which is neutral and polar, at codon 100 of the SCN4B protein (p.Arg100Ser). This variant has not been reported in the literature in individuals affected with SCN4B-related conditions. Algorithms developed to predict the effect of missense changes on protein structure and function (SIFT, PolyPhen-2, Align-GVGD) all suggest that this variant is likely to be disruptive. In summary, the available evidence is currently insufficient to determine the role of this variant in disease. Therefore, it has been classified as a Variant of Uncertain Significance.

NM_174934.4(SCN4B):c.298C>A (p.Arg100Ser)

Genes: SCN4B (sodium voltage-gated channel beta subunit 4; minus strand), LOC126861356 (BRD4-independent group 4 enhancer GRCh37_chr11:118014519-118015718; plus strand). Cytogenetic location: 11q23.3.
Variant type: single nucleotide variant.
Coding change: c.298C>A on transcript NM_174934.4 (MANE Select); coding-DNA position 298, C replaced by A.
Protein change: p.Arg100Ser; replaces arginine 100 with serine.
Molecular consequence: missense variant. On other transcripts: 5 prime UTR variant (1), non-coding transcript variant (1), intron variant (1).
Genome position (GRCh38, 1-based): chr11:118,143,998, G>T on the plus strand (C>A on the coding strand, the complement: SCN4B is on the minus strand). VCF-style: chr11-118143998-G-T. GRCh37 (hg19) VCF-style: chr11-118014713-G-T.
Other names: c.-33C>A (NM_001142349.2); c.62-2662C>A (NM_001142348.2); short protein forms R100S.
Identifiers: ClinVar variation 2071335 (VCV002071335.4), dbSNP rs149497652, ClinGen allele CA382778329.